The following is an entry in ClinVar:

NM_001267550.2(TTN):c.70752C>T (p.Thr23584=)

Genes: TTN-AS1 (TTN antisense RNA 1; plus strand), TTN (titin; minus strand). Cytogenetic location: 2q31.2.
Variant type: single nucleotide variant.
Coding change: c.70752C>T on transcript NM_001267550.2 (MANE Select); coding-DNA position 70752, C replaced by T.
Protein change: p.Thr23584=; no amino-acid change (threonine 23584 retained).
Molecular consequence: synonymous variant.
Genome position (GRCh38, 1-based): chr2:178,575,380, G>A on the plus strand (C>T on the coding strand, the complement: TTN is on the minus strand). VCF-style: chr2-178575380-G-A. GRCh37 (hg19) VCF-style: chr2-179440107-G-A.
Other names: c.65829C>T, p.Thr21943= (NM_001256850.1); c.43557C>T, p.Thr14519= (NM_003319.4); c.63048C>T, p.Thr21016= (NM_133378.4); c.43932C>T, p.Thr14644= (NM_133432.3); c.44133C>T, p.Thr14711= (NM_133437.4).
Identifiers: ClinVar variation 535239 (VCV000535239.14), dbSNP rs761787250, ClinGen allele CA1990731.
Genomic context (GRCh38, chr2:178,575,380, plus strand): 5'-TTGGAAGGTATATTCCTCTCCTTCAGTTAGATTCCTCACAACACATTCTAACCCTTTCAC[G>A]GTTGTGATGTGGGTCCACTGGTCAGAGCCTTTTCTTTGGGCTTCAATCACATAGCCAGTG-3'
Protein context (NP_001254479.2, residues 23574-23594): KGSDQWTHIT[Thr23584=]VKGLECVVRN

ClinVar aggregate classification (germline): Likely benign. Review status: criteria provided, multiple submitters, no conflicts (2 of 4 stars). 3 submissions from 3 submitters: Likely benign (3). Last evaluated 2026-09-04.

Conditions:
Autosomal recessive limb-girdle muscular dystrophy type 2J (LGMDR10). Also called: Limb-girdle muscular dystrophy, type 2J; MUSCULAR DYSTROPHY, LIMB-GIRDLE, AUTOSOMAL RECESSIVE 10. Identifiers: Orphanet 140922, MedGen C1837342, MONDO:0012127, OMIM 608807.
Dilated cardiomyopathy 1G (CMD1G). Identifiers: Orphanet 154, MedGen C1858763, MONDO:0011400, OMIM 604145.
TTN-related disorder. Also called: TTN-related condition; TTN-related disease; TTN-related disorders.
Cardiovascular phenotype. Identifiers: MedGen CN230736.

Allele frequency attached by ClinVar (database versions not stated): ExAC 0.00001; gnomAD 0.00001; TOPMed 0.00002; gnomAD exomes 0.00003.
gnomAD v4.1: 13 of 1,613,558 alleles (0.00081%); highest among the groups gnomAD compares: Admixed American, 0.01%; no homozygotes.

Submissions (3):

Ambry Genetics
Classification: Likely benign for Cardiovascular phenotype. Last evaluated: 2026-09-04. Review status: criteria provided, single submitter. Criteria: Ambry Variant Classification Scheme 2023. Collection method: clinical testing. Allele origin: germline.

PreventionGenetics, part of Exact Sciences
Classification: Likely benign for TTN-related condition. Last evaluated: 2026-05-05. Review status: criteria provided, single submitter. Criteria: ACMG Guidelines, 2015. Collection method: clinical testing. Allele origin: germline.
Comment: This variant is classified as likely benign based on ACMG/AMP sequence variant interpretation guidelines (Richards et al. 2015 PMID: 25741868, with internal and published modifications).

Labcorp Genetics (formerly Invitae), Labcorp
Classification: Likely benign for Dilated cardiomyopathy 1G; Autosomal recessive limb-girdle muscular dystrophy type 2J. Last evaluated: 2025-10-13. Review status: criteria provided, single submitter. Criteria: Invitae Variant Classification Sherloc (09022015). Collection method: clinical testing. Allele origin: germline.